The following is an entry in ClinVar:

ClinVar aggregate classification (germline): Uncertain significance (1 of 4 stars; one submission).

Submission:

Women's Health and Genetics/Laboratory Corporation of America, LabCorp
Classification: Uncertain significance. Last evaluated: 2025-12-02. Review status: criteria provided, single submitter. Criteria: LabCorp Variant Classification Summary - May 2015. Collection method: clinical testing. Allele origin: germline.
Comment: Variant summary: The variant involves the duplication of exons 20-29 in the STRC gene. A presumed nomenclature of c.(3930+1_3931-1)_(*110_?)dup has been designated for the purposes of this classification. The exact breakpoint at the 3' end of this variant is unknown, therefore this duplication may extend downstream of the annotated region of the gene. As it duplicates the termination codon, its effect on the encoded protein is unknown. A duplication of exons 19-29 that also involves part of the CKMT1B gene was found at a frequency of 0.014 in gnomAD, including one homozygote; however the current variant (duplication of exons 20-29 in STRC) was absent in 21592 control chromosomes. The available data on variant occurrences in the general population are insufficient to allow any conclusion about variant significance. To our knowledge, no occurrence of c.(3930+1_3931-1)_(*110_?)dup in individuals affected with STRC-related conditions and no experimental evidence demonstrating its impact on protein function have been reported. No submitters have cited clinical-significance assessments for this variant to ClinVar. Based on the evidence outlined above, the variant was classified as uncertain significance.

NC_000015.9:g.(?_43891760)_(43897045_43897461)dup

Gene: STRC (stereocilin; minus strand). Cytogenetic location: 15q15.3.
Variant type: Duplication.
Identifiers: ClinVar variation 4688640 (VCV004688640.1).